The following is an entry in ClinVar:

NC_000023.10:g.(?_591525)_(601614_601733)dup

Gene: SHOX (SHOX homeobox; plus strand). Cytogenetic location: Xp22.33.
Variant type: Duplication.
Identifiers: ClinVar variation 3385019 (VCV003385019.1).

ClinVar aggregate classification (germline): Uncertain significance (1 of 4 stars; one submission).

Submission:

Women's Health and Genetics/Laboratory Corporation of America, LabCorp
Classification: Uncertain significance. Last evaluated: 2024-10-01. Review status: criteria provided, single submitter. Criteria: LabCorp Variant Classification Summary - May 2015. Collection method: clinical testing. Allele origin: germline.
Comment: Variant summary: The variant involves the duplication of exons 1-3 in the SHOX gene. A presumed nomenclature of c.(?_-108)_(544+1_545-1)dup has been designated for the purposes of this classification. The exact breakpoint at the 5' end of this variant is unknown, therefore this duplication may extend upstream of the annotated region of this gene. It is predicted to duplicate a segment including the initiation codon, therefore its impact on the encoded protein is unknown. It is assumed to be a tandem duplication in direct orientation (PMIDs: 25640679, 30054569). The variant allele was found at a frequency of 6.2e-05 in 16099 control chromosomes. The available data on variant occurrences in the general population are insufficient to allow any conclusion about variant significance. c.(?_-108)_(544+1_545-1)dup has been reported in the literature in a heterozygous individual affected with short stature without other features of Leri-Weill dyschondrosteosis (Bunyan_2013). These data do not allow any conclusion about variant significance. To our knowledge, no experimental evidence demonstrating an impact on protein function has been reported. The following publications have been ascertained in the context of this evaluation (PMID: 23636926). No submitters have cited clinical-significance assessments for this variant to ClinVar. Based on the evidence outlined above, the variant was classified as uncertain significance.

Literature cited by the submitters: PubMed 23636926; PubMed 27073233.